The following is an entry in ClinVar:

NM_000093.5(COL5A1):c.1844A>T (p.Asp615Val)

Gene: COL5A1 (collagen type V alpha 1 chain; plus strand). Cytogenetic location: 9q34.3.
Variant type: single nucleotide variant.
Coding change: c.1844A>T on transcript NM_000093.5 (MANE Select); coding-DNA position 1844, A replaced by T.
Protein change: p.Asp615Val; replaces aspartic acid 615 with valine.
Molecular consequence: missense variant.
Genome position (GRCh38, 1-based): chr9:134,756,781, A>T. VCF-style: chr9-134756781-A-T. GRCh37 (hg19) VCF-style: chr9-137648627-A-T.
Other names: c.1844A>T, p.Asp615Val (NM_001278074.1); short protein forms D615V.
Identifiers: ClinVar variation 5020568 (VCV005020568.1).
Genomic context (GRCh38, chr9:134,756,781, plus strand): 5'-ACCGGGGCTCTTTTGCATTGACGGTTTTGCCTCCTTTGTTCCAGGGTCGGGCTGGGAGTG[A>T]TGGAGCCAGAGGAATGCCTGGACAAACTGGCCCCAAGGTAGGTCACCCACCACCCTCCTG-3'
Protein context (NP_000084.3, residues 605-625): KPGRRGRAGS[Asp615Val]GARGMPGQTG

ClinVar aggregate classification (germline): Uncertain significance (1 of 4 stars; one submission).

Submission:

Dasa
Classification: Uncertain significance. Last evaluated: 2026-05-15. Review status: criteria provided, single submitter. Criteria: DASA Assertion Criteria. Collection method: clinical testing. Allele origin: germline.
Comment: NM_000093.5(COL5A1):c.1844A>T (p.Asp615Val) is a missense variant that results in the substitution of aspartic acid with valine. This variant is rare in population databases. Computational prediction algorithms are consistent with a deleterious effect. The currently available literature and clinical evidence are not sufficient to establish a definitive association between this variant and the reported condition. Therefore, this variant is classified as a variant of uncertain significance.